The following is an entry in ClinVar:

ClinVar aggregate classification (germline): Uncertain significance (1 of 4 stars; one submission).

Allele frequency attached by ClinVar (database versions not stated): gnomAD 0.00001; gnomAD exomes 0.00001 and 0.00002; TOPMed 0.00001; ExAC 0.00002; ESP Exome Variant Server 0.00009.

Submission:

Labcorp Genetics (formerly Invitae), Labcorp
Classification: Uncertain significance. Last evaluated: 2024-03-01. Review status: criteria provided, single submitter. Criteria: Invitae Variant Classification Sherloc (09022015). Collection method: clinical testing. Allele origin: germline.
Comment: This sequence change replaces methionine, which is neutral and non-polar, with valine, which is neutral and non-polar, at codon 1222 of the CACNA1F protein (p.Met1222Val). This variant is present in population databases (rs148964856, gnomAD 0.006%). This variant has not been reported in the literature in individuals affected with CACNA1F-related conditions. ClinVar contains an entry for this variant (Variation ID: 1015952). Advanced modeling of protein sequence and biophysical properties (such as structural, functional, and spatial information, amino acid conservation, physicochemical variation, residue mobility, and thermodynamic stability) performed at Invitae indicates that this missense variant is not expected to disrupt CACNA1F protein function with a negative predictive value of 80%. In summary, the available evidence is currently insufficient to determine the role of this variant in disease. Therefore, it has been classified as a Variant of Uncertain Significance.

NM_001256789.3(CACNA1F):c.3631A>G (p.Met1211Val)

Gene: CACNA1F (calcium voltage-gated channel subunit alpha1 F; minus strand). Cytogenetic location: Xp11.23.
Variant type: single nucleotide variant.
Coding change: c.3631A>G on transcript NM_001256789.3 (MANE Select); coding-DNA position 3631, A replaced by G.
Protein change: p.Met1211Val; replaces methionine 1211 with valine.
Molecular consequence: missense variant.
Genome position (GRCh38, 1-based): chrX:49,214,236, T>C on the plus strand (A>G on the coding strand, the complement: CACNA1F is on the minus strand). VCF-style: chrX-49214236-T-C. GRCh37 (hg19) VCF-style: chrX-49070696-T-C.
Other names: c.3469A>G, p.Met1157Val (NM_001256790.3); c.3664A>G, p.Met1222Val (NM_005183.4); short protein forms M1157V, M1211V, M1222V.
Identifiers: ClinVar variation 1015952 (VCV001015952.8), dbSNP rs148964856, ClinGen allele CA10410409.
Genomic context (GRCh38, chrX:49,214,236, plus strand): 5'-TGATTTTGAGCACCATCTCAATAGTGAAGAGGCCAGTGAAGACCATGTTGAGGATGTCCA[T>C]GGCATAGTTGAAGGGAGCAGTCTGCTCATAGTGCTGCAGGAGAAAATCAGGTTGAGATGG-3'
Protein context (NP_001243718.1, residues 1201-1221): YEQTAPFNYA[Met1211Val]DILNMVFTGL